The following is an entry in ClinVar:

ClinVar aggregate classification (germline): Uncertain significance (1 of 4 stars; one submission).

Submission:

Labcorp Genetics (formerly Invitae), Labcorp
Classification: Uncertain significance. Last evaluated: 2022-11-29. Review status: criteria provided, single submitter. Criteria: Invitae Variant Classification Sherloc (09022015). Collection method: clinical testing. Allele origin: unknown.
Comment: In summary, the available evidence is currently insufficient to determine the role of this variant in disease. Therefore, it has been classified as a Variant of Uncertain Significance. This variant has not been reported in the literature in individuals affected with GFM2-related conditions. This variant is a gross deletion of the genomic region encompassing exon(s) 18-19 of the GFM2 gene. This deletion is out-of-frame, and is expected to create a premature translational stop signal and result in an absent or disrupted protein product. However, the current clinical and genetic evidence is not sufficient to establish whether loss-of-function variants in GFM2 cause disease.

NC_000005.9:g.(?_74021445)_(74021971_?)del

Gene: GFM2 (GTP dependent ribosome recycling factor mitochondrial 2; minus strand). Cytogenetic location: 5q13.3.
Variant type: Deletion.
Identifiers: ClinVar variation 3246561 (VCV003246561.1).